The following is an entry in ClinVar:

ClinVar aggregate classification (germline): Uncertain significance. Review status: criteria provided, multiple submitters, no conflicts (2 of 4 stars). 3 submissions from 3 submitters: Uncertain significance (3). Last evaluated 2026-08-08.

Conditions:
Inborn genetic diseases. Identifiers: MedGen C0950123, MeSH D030342.
Brachyolmia-amelogenesis imperfecta syndrome. Also called: Tooth agenesis, selective, 6; Dental anomalies and short stature; PLATYSPONDYLY WITH AMELOGENESIS IMPERFECTA. Identifiers: Orphanet 2899, MedGen C1832594, MONDO:0011018, OMIM 601216. Disease mechanism: loss of function.
Geleophysic dysplasia. Identifiers: Orphanet 2623, MedGen C3489726, MONDO:0000127.

gnomAD v4.1: 4 of 1,613,992 alleles (0.00025%); highest among the groups gnomAD compares: Admixed American, 0.005%; no homozygotes.

Submissions (3):

Ambry Genetics
Classification: Uncertain significance for Inborn genetic diseases. Last evaluated: 2026-08-08. Review status: criteria provided, single submitter. Criteria: Ambry Variant Classification Scheme 2023. Collection method: clinical testing. Allele origin: germline.
Comment: The p.S806F variant (also known as c.2417C>T), located in coding exon 17 of the LTBP3 gene, results from a C to T substitution at nucleotide position 2417. The serine at codon 806 is replaced by phenylalanine, an amino acid with highly dissimilar properties. This amino acid position is conserved. In addition, the in silico prediction for this alteration is inconclusive. Based on the available evidence, the clinical significance of this variant remains unclear.

Labcorp Genetics (formerly Invitae), Labcorp
Classification: Uncertain significance for Brachyolmia-amelogenesis imperfecta syndrome. Last evaluated: 2024-01-28. Review status: criteria provided, single submitter. Criteria: Invitae Variant Classification Sherloc (09022015). Collection method: clinical testing. Allele origin: germline.
Comment: This sequence change replaces serine, which is neutral and polar, with phenylalanine, which is neutral and non-polar, at codon 806 of the LTBP3 protein (p.Ser806Phe). This variant is not present in population databases (gnomAD no frequency). This variant has not been reported in the literature in individuals affected with LTBP3-related conditions. An algorithm developed to predict the effect of missense changes on protein structure and function (PolyPhen-2) suggests that this variant is likely to be disruptive. In summary, the available evidence is currently insufficient to determine the role of this variant in disease. Therefore, it has been classified as a Variant of Uncertain Significance.

Molecular Genetics, Royal Melbourne Hospital
Classification: Uncertain significance for Geleophysic dysplasia. Last evaluated: 2023-03-30. Review status: criteria provided, single submitter. Criteria: ACMG Guidelines, 2015. Collection method: clinical testing. Allele origin: germline.
Comment: This sequence change in LTBP3 is predicted to replace serine with phenylalanine at codon 806, p.(Ser806Phe). The serine residue is highly conserved (100 vertebrates, UCSC), and is located in the EGF-like calcium binding domain 7. There is a large physicochemical difference between serine and phenylalanine. The highest population minor allele frequency in the population database gnomAD v3.1 is 0.02% (3/15,280 alleles) in the Latino/admixed American population. To our knowledge, this variant has not been reported in the literature in any individuals. Multiple lines of computational evidence predict a deleterious effect for the missense substitution (6/6 algorithms). Based on the classification scheme RMH Modified ACMG Guidelines v1.5.1, this variant is classified as a VARIANT OF UNCERTAIN SIGNIFICANCE. Following criteria are met: PP3.

NM_001130144.3(LTBP3):c.2417C>T (p.Ser806Phe)

Gene: LTBP3 (latent transforming growth factor beta binding protein 3; minus strand). Cytogenetic location: 11q13.1.
Variant type: single nucleotide variant.
Coding change: c.2417C>T on transcript NM_001130144.3 (MANE Select); coding-DNA position 2417, C replaced by T.
Protein change: p.Ser806Phe; replaces serine 806 with phenylalanine.
Molecular consequence: missense variant.
Genome position (GRCh38, 1-based): chr11:65,543,486, G>A on the plus strand (C>T on the coding strand, the complement: LTBP3 is on the minus strand). VCF-style: chr11-65543486-G-A. GRCh37 (hg19) VCF-style: chr11-65310957-G-A.
Other names: c.2417C>T (NM_001130144.2); c.2066C>T, p.Ser689Phe (NM_001164266.1); c.2417C>T, p.Ser806Phe (NM_021070.4); short protein forms S689F, S806F.
Identifiers: ClinVar variation 2971665 (VCV002971665.5), dbSNP rs937223382, ClinGen allele CA381269322.
Genomic context (GRCh38, chr11:65,543,486, plus strand): 5'-CCCTCGCAGTGGCTCCGGTCCCTGGACAGATGGTAGCCAGAGAGGCACTGACACTGGAAA[G>A]ATCCTGGCGTGTTGCTGCAGATGCCATTGTCACACACGTCCCCAGCCTCACACTCGTCCA-3'
Protein context (NP_001123616.1, residues 796-816): DNGICSNTPG[Ser806Phe]FQCQCLSGYH